The following is an entry in ClinVar:

NM_003718.5(CDK13):c.2898-2A>G

Gene: CDK13 (cyclin dependent kinase 13; plus strand). Cytogenetic location: 7p14.1.
Variant type: single nucleotide variant.
Coding change: c.2898-2A>G on transcript NM_003718.5 (MANE Select); the canonical splice acceptor site of the intron before coding-DNA position 2898, A replaced by G.
Molecular consequence: splice acceptor variant.
Genome position (GRCh38, 1-based): chr7:40,078,718, A>G. VCF-style: chr7-40078718-A-G. GRCh37 (hg19) VCF-style: chr7-40118317-A-G.
Other names: c.2898-2A>G (NM_031267.3).
Identifiers: ClinVar variation 3776438 (VCV003776438.2).

ClinVar aggregate classification (germline): Likely pathogenic (1 of 4 stars; one submission).

Submission:

GeneDx
Classification: Likely pathogenic. Last evaluated: 2026-10-20. Review status: criteria provided, single submitter. Criteria: GeneDx Variant Classification Process June 2021. Collection method: clinical testing. Allele origin: germline.
Comment: Canonical splice site variant predicted to result in an in-frame loss of the adjacent exon in a gene for which loss of function is a known mechanism of disease; Not observed at significant frequency in large population cohorts (gnomAD); Has not been previously published as pathogenic or benign to our knowledge